The following is an entry in ClinVar:

NM_000051.4(ATM):c.5243_5244del (p.Ser1748fs)

Gene: ATM (ATM serine/threonine kinase; plus strand). Cytogenetic location: 11q22.3.
Variant type: Deletion.
Coding change: c.5243_5244del on transcript NM_000051.4 (MANE Select); coding-DNA positions 5243 to 5244, 2 bases deleted (GT; older notation c.5243_5244delGT).
Protein change: p.Ser1748fs; shifts the reading frame from serine 1748.
Molecular consequence: frameshift variant.
Genome position (GRCh38, 1-based): chr11:108,301,713-108,301,714, GT deleted. VCF-style (leftmost placement, unchanged base first): chr11-108301712-AGT-A. GRCh37 (hg19) VCF-style: chr11-108172439-AGT-A.
Other names: c.5243_5244del, p.Ser1748fs (NM_001351834.2); short protein forms S1748fs.
Identifiers: ClinVar variation 4717610 (VCV004717610.1).
Genomic context (GRCh38, chr11:108,301,712, plus strand): 5'-AAAGTTCGATCAGCAGCTGTTACCTGTTTGAAAAACATTTTAGCCACAAAGACTGGACAT[AGT>A]TTCTGGGAGATTTATAAGATGACAACAGATCCAATGCTGGCCTATCTACAGCCTTTTAGA-3'

ClinVar aggregate classification (germline): Pathogenic (1 of 4 stars; one submission).

Conditions:
Ataxia-telangiectasia syndrome (AT). Also called: ATAXIA-TELANGIECTASIA, COMPLEMENTATION GROUP A; ATAXIA-TELANGIECTASIA, FRESNO VARIANT; Ataxia-telangiectasia; LOUIS-BAR SYNDROME; Cerebello-oculocutaneous telangiectasia; Immunodeficiency with ataxia telangiectasia. Identifiers: Orphanet 100, MedGen C0004135, MONDO:0008840, OMIM 208900.

Submission:

Labcorp Genetics (formerly Invitae), Labcorp
Classification: Pathogenic for Ataxia-telangiectasia syndrome. Last evaluated: 2025-04-17. Review status: criteria provided, single submitter. Criteria: Invitae Variant Classification Sherloc (09022015). Collection method: clinical testing. Allele origin: germline.
Comment: This sequence change creates a premature translational stop signal (p.Ser1748Ilefs*6) in the ATM gene. It is expected to result in an absent or disrupted protein product. Loss-of-function variants in ATM are known to be pathogenic (PMID: 23807571, 25614872). This variant is not present in population databases (gnomAD no frequency). This variant has not been reported in the literature in individuals affected with ATM-related conditions. For these reasons, this variant has been classified as Pathogenic.

Literature cited by the submitters: PubMed 23807571; PubMed 25614872.